The following is an entry in ClinVar:

ClinVar aggregate classification (germline): Uncertain significance (1 of 4 stars; one submission).

Conditions:
Ehlers-Danlos syndrome, classic type, 1 (EDSCL1). Also called: Ehlers-Danlos Syndrome, Classic Type, COL5A1-Related; EHLERS-DANLOS SYNDROME, GRAVIS TYPE; EHLERS-DANLOS SYNDROME, SEVERE CLASSIC TYPE; Ehlers-Danlos syndrome, type 1; EDS I. Identifiers: MedGen C0268335, MONDO:0019567, OMIM 130000.
Osteogenesis imperfecta type I (OI1). Also called: OI, TYPE I; OSTEOGENESIS IMPERFECTA TARDA; OSTEOGENESIS IMPERFECTA WITH BLUE SCLERAE; Osteogenesis imperfecta type 1; Classic Non-deforming Osteogenesis Imperfecta with Blue Sclerae; Lobstein's Disease. Identifiers: Orphanet 216796, Orphanet 666, MedGen C0023931, MONDO:0008146, OMIM 166200. Disease mechanism: loss of function.

gnomAD v4.1: 2 of 1,614,090 alleles (0.00012%); highest among the groups gnomAD compares: Non-Finnish European, 0.00017%; no homozygotes.

Submission:

Labcorp Genetics (formerly Invitae), Labcorp
Classification: Uncertain significance for Osteogenesis imperfecta type I; Ehlers-Danlos syndrome, classic type, 1. Last evaluated: 2022-04-12. Review status: criteria provided, single submitter. Criteria: Invitae Variant Classification Sherloc (09022015). Collection method: clinical testing. Allele origin: germline.
Comment: In summary, the available evidence is currently insufficient to determine the role of this variant in disease. Therefore, it has been classified as a Variant of Uncertain Significance. Algorithms developed to predict the effect of missense changes on protein structure and function are either unavailable or do not agree on the potential impact of this missense change (SIFT: "Deleterious"; PolyPhen-2: "Not Available"; Align-GVGD: "Class C0"). This variant has not been reported in the literature in individuals affected with COL1A2-related conditions. This variant is not present in population databases (gnomAD no frequency). This sequence change replaces leucine, which is neutral and non-polar, with serine, which is neutral and polar, at codon 11 of the COL1A2 protein (p.Leu11Ser).

NM_000089.4(COL1A2):c.32T>C (p.Leu11Ser)

Gene: COL1A2 (collagen type I alpha 2 chain; plus strand). Cytogenetic location: 7q21.3.
Variant type: single nucleotide variant.
Coding change: c.32T>C on transcript NM_000089.4 (MANE Select); coding-DNA position 32, T replaced by C.
Protein change: p.Leu11Ser; replaces leucine 11 with serine.
Molecular consequence: missense variant.
Genome position (GRCh38, 1-based): chr7:94,395,063, T>C. VCF-style: chr7-94395063-T-C. GRCh37 (hg19) VCF-style: chr7-94024375-T-C.
Other names: short protein forms L11S.
Identifiers: ClinVar variation 2159411 (VCV002159411.4), dbSNP rs2484686606, ClinGen allele CA368218831.